The following is an entry in ClinVar:

ClinVar aggregate classification (germline): Likely benign. Review status: criteria provided, multiple submitters, no conflicts (2 of 4 stars). 3 submissions from 3 submitters: Likely benign (3). Last evaluated 2025-04-08.

Conditions:
Cardiovascular phenotype. Identifiers: MedGen CN230736.

Allele frequency attached by ClinVar (database versions not stated): gnomAD exomes 0.00003.
gnomAD v4.1: 141 of 1,550,016 alleles (0.0091%); highest among the groups gnomAD compares: Non-Finnish European, 0.012%; no homozygotes.

Submissions (3):

Mayo Clinic Laboratories, Mayo Clinic
Classification: Likely benign. Last evaluated: 2025-04-08. Review status: criteria provided, single submitter. Criteria: ACMG Guidelines, 2015. Collection method: clinical testing. Allele origin: germline. Observed: 2 variant alleles.
Comment: BP4, BP7

Labcorp Genetics (formerly Invitae), Labcorp
Classification: Likely benign. Last evaluated: 2025-04-01. Review status: criteria provided, single submitter. Criteria: Invitae Variant Classification Sherloc (09022015). Collection method: clinical testing. Allele origin: germline.

Ambry Genetics
Classification: Likely benign for Cardiovascular phenotype. Last evaluated: 2022-05-09. Review status: criteria provided, single submitter. Criteria: Ambry Variant Classification Scheme 2023. Collection method: clinical testing. Allele origin: germline.

NM_001367624.2(ZNF469):c.1089G>C (p.Ser363=)

Gene: ZNF469 (zinc finger protein 469; plus strand). Cytogenetic location: 16q24.2.
Variant type: single nucleotide variant.
Coding change: c.1089G>C on transcript NM_001367624.2 (MANE Select); coding-DNA position 1089, G replaced by C.
Protein change: p.Ser363=; no amino-acid change (serine 363 retained).
Molecular consequence: synonymous variant.
Genome position (GRCh38, 1-based): chr16:88,428,559, G>C. VCF-style: chr16-88428559-G-C. GRCh37 (hg19) VCF-style: chr16-88494967-G-C.
Other names: NM_001127464.1:c.1089G>C; p.Ser363=.
Identifiers: ClinVar variation 1642678 (VCV001642678.11), dbSNP rs776451293, ClinGen allele CA8224658.